The following is an entry in ClinVar:

ClinVar aggregate classification (germline): Uncertain significance. Review status: criteria provided, multiple submitters, no conflicts (2 of 4 stars). 3 submissions from 3 submitters: Uncertain significance (3). Last evaluated 2025-08-20.

Conditions:
Hereditary cancer-predisposing syndrome. Also called: Tumor predisposition; Hereditary neoplastic syndrome; Neoplastic Syndromes, Hereditary; Hereditary Cancer Syndrome. Identifiers: Orphanet 140162, MedGen C0027672, MeSH D009386, MONDO:0015356.
Melanoma, cutaneous malignant, susceptibility to, 8. Also called: Cutaneous malignant melanoma 8; MELANOMA AND RENAL CELL CARCINOMA, SUSCEPTIBILITY TO. Identifiers: Orphanet 293822, MedGen C3152204, MONDO:0013759, OMIM 614456.
Tietz syndrome (TADS). Also called: HYPOPIGMENTATION/DEAFNESS OF TIETZ; TIETZ ALBINISM-DEAFNESS SYNDROME; ALBINISM-DEAFNESS OF TIETZ. Identifiers: Orphanet 42665, MedGen C0391816, MONDO:0007077, OMIM 103500.
Waardenburg syndrome type 2A (WS2A). Also called: WAARDENBURG SYNDROME WITHOUT DYSTOPIA CANTHORUM. Identifiers: Orphanet 3440, MedGen C1860339, MONDO:0008671, OMIM 193510.

Submissions (3):

Ambry Genetics
Classification: Uncertain significance for Hereditary cancer-predisposing syndrome. Last evaluated: 2025-08-20. Review status: criteria provided, single submitter. Criteria: Ambry Variant Classification Scheme 2023. Collection method: clinical testing. Allele origin: germline.
Comment: The p.T79M variant (also known as c.236C>T), located in coding exon 2 of the MITF gene, results from a C to T substitution at nucleotide position 236. The threonine at codon 79 is replaced by methionine, an amino acid with similar properties. This amino acid position is conserved. In addition, the in silico prediction for this alteration is inconclusive. Based on the available evidence, the clinical significance of this variant remains unclear.

Labcorp Genetics (formerly Invitae), Labcorp
Classification: Uncertain significance for Melanoma, cutaneous malignant, susceptibility to, 8; Waardenburg syndrome type 2A; Tietz syndrome. Last evaluated: 2025-03-05. Review status: criteria provided, single submitter. Criteria: Invitae Variant Classification Sherloc (09022015). Collection method: clinical testing. Allele origin: germline.
Comment: This sequence change replaces threonine, which is neutral and polar, with methionine, which is neutral and non-polar, at codon 79 of the MITF protein (p.Thr79Met). This variant is present in population databases (no rsID available, gnomAD 0.0009%). This variant has not been reported in the literature in individuals affected with MITF-related conditions. Invitae Evidence Modeling of protein sequence and biophysical properties (such as structural, functional, and spatial information, amino acid conservation, physicochemical variation, residue mobility, and thermodynamic stability) indicates that this missense variant is expected to disrupt MITF protein function with a positive predictive value of 80%. In summary, the available evidence is currently insufficient to determine the role of this variant in disease. Therefore, it has been classified as a Variant of Uncertain Significance.

GeneDx
Classification: Uncertain significance. Last evaluated: 2024-07-23. Review status: criteria provided, single submitter. Criteria: GeneDx Variant Classification Process June 2021. Collection method: clinical testing. Allele origin: germline. Affected: yes.
Comment: In silico analysis supports that this missense variant has a deleterious effect on protein structure/function; Has not been previously published as pathogenic or benign to our knowledge

NM_001354604.2(MITF):c.557C>T (p.Thr186Met)

Gene: MITF (melanocyte inducing transcription factor; plus strand). Cytogenetic location: 3p13.
Variant type: single nucleotide variant.
Coding change: c.557C>T on transcript NM_001354604.2 (MANE Select); coding-DNA position 557, C replaced by T.
Protein change: p.Thr186Met; replaces threonine 186 with methionine.
Molecular consequence: missense variant. On other transcripts: intron variant (1).
Genome position (GRCh38, 1-based): chr3:69,938,024, C>T. VCF-style: chr3-69938024-C-T. GRCh37 (hg19) VCF-style: chr3-69987175-C-T.
Other names: c.236C>T, p.Thr79Met (NM_000248.4, NM_001184968.2, NM_198158.3); c.401C>T, p.Thr134Met (NM_001184967.2, NM_001354608.2); c.554C>T, p.Thr185Met (NM_001354605.2, NM_001354606.2, NM_006722.3); c.506C>T, p.Thr169Met (NM_001354607.2); c.557C>T, p.Thr186Met (NM_198159.3); c.509C>T, p.Thr170Met (NM_198177.3); c.93+143C>T (NM_198178.3); short protein forms T134M, T169M, T170M, T185M, T186M, T79M.
Identifiers: ClinVar variation 3600943 (VCV003600943.3).